The following is an entry in ClinVar:

NM_000136.3(FANCC):c.-82C>G

Gene: FANCC (FA complementation group C; minus strand). Cytogenetic location: 9q22.32.
Variant type: single nucleotide variant.
Coding change: c.-82C>G on transcript NM_000136.3 (MANE Select); 82 bases upstream of the start codon, C replaced by G.
Molecular consequence: 5 prime UTR variant.
Genome position (GRCh38, 1-based): chr9:95,317,529, G>C on the plus strand (C>G on the coding strand, the complement: FANCC is on the minus strand). VCF-style: chr9-95317529-G-C. GRCh37 (hg19) VCF-style: chr9-98079811-G-C.
Other names: c.-82C>G (NM_001243744.2).
Identifiers: ClinVar variation 386486 (VCV000386486.1), dbSNP rs1057522510, ClinGen allele CA16605760.

ClinVar aggregate classification (germline): Likely benign (1 of 4 stars; one submission).

Allele frequency attached by ClinVar (database versions not stated): gnomAD 0.00001; TOPMed 0.00001 and 0.00002.
gnomAD v4.1: 2 of 152,332 alleles (0.0013%); highest among the groups gnomAD compares: East Asian, 0.039%; no homozygotes.

Submission:

GeneDx
Classification: Likely benign. Last evaluated: 2016-05-24. Review status: criteria provided, single submitter. Criteria: GeneDx Variant Classification (06012015). Collection method: clinical testing. Allele origin: germline. Affected: yes.
Comment: This variant is considered likely benign or benign based on one or more of the following criteria: it is a conservative change, it occurs at a poorly conserved position in the protein, it is predicted to be benign by multiple in silico algorithms, and/or has population frequency not consistent with disease.